The following is an entry in ClinVar:

ClinVar aggregate classification (germline): Likely benign (1 of 4 stars; one submission).

gnomAD v4.1: 7,865 of 1,613,778 alleles (0.49%); highest among the groups gnomAD compares: Middle Eastern, 2.5%; 46 homozygotes.

Submission:

CeGaT Center for Human Genetics Tuebingen
Classification: Likely benign. Last evaluated: 2024-11-01. Review status: criteria provided, single submitter. Criteria: CeGaT Center For Human Genetics Tuebingen Variant Classification Criteria Version 2. Collection method: clinical testing. Allele origin: germline. Affected: yes. Observed: 1 variant allele.
Comment: PRRC2C: BP4, BS2

NM_001387844.1(PRRC2C):c.2809C>G (p.Pro937Ala)

Gene: PRRC2C (proline rich coiled-coil 2C; plus strand). Cytogenetic location: 1q24.3.
Variant type: single nucleotide variant.
Coding change: c.2809C>G on transcript NM_001387844.1 (MANE Select); coding-DNA position 2809, C replaced by G.
Protein change: p.Pro937Ala; replaces proline 937 with alanine.
Molecular consequence: missense variant.
Genome position (GRCh38, 1-based): chr1:171,540,275, C>G. VCF-style: chr1-171540275-C-G. GRCh37 (hg19) VCF-style: chr1-171509414-C-G.
Other names: c.2803C>G, p.Pro935Ala (NM_015172.4); short protein forms P935A, P937A.
Identifiers: ClinVar variation 3387927 (VCV003387927.14).